The following is an entry in ClinVar:

NM_017986.4(SLC52A1):c.1316G>A (p.Arg439Lys)

Gene: SLC52A1 (solute carrier family 52 member 1; minus strand). Cytogenetic location: 17p13.2.
Variant type: single nucleotide variant.
Coding change: c.1316G>A on transcript NM_017986.4 (MANE Select); coding-DNA position 1316, G replaced by A.
Protein change: p.Arg439Lys; replaces arginine 439 with lysine.
Molecular consequence: missense variant.
Genome position (GRCh38, 1-based): chr17:5,032,988, C>T on the plus strand (G>A on the coding strand, the complement: SLC52A1 is on the minus strand). VCF-style: chr17-5032988-C-T. GRCh37 (hg19) VCF-style: chr17-4936283-C-T.
Other names: c.1316G>A, p.Arg439Lys (NM_001104577.2); short protein forms R439K.
Identifiers: ClinVar variation 4696209 (VCV004696209.1).

ClinVar aggregate classification (germline): Uncertain significance (1 of 4 stars; one submission).

Conditions:
Vitamin B2 deficiency. Identifiers: MedGen C0035528.

Submission:

Labcorp Genetics (formerly Invitae), Labcorp
Classification: Uncertain significance for Vitamin B2 deficiency. Last evaluated: 2025-08-15. Review status: criteria provided, single submitter. Criteria: Invitae Variant Classification Sherloc (09022015). Collection method: clinical testing. Allele origin: germline.
Comment: This sequence change replaces arginine, which is basic and polar, with lysine, which is basic and polar, at codon 439 of the SLC52A1 protein (p.Arg439Lys). This variant is not present in population databases (gnomAD no frequency). This variant has not been reported in the literature in individuals affected with SLC52A1-related conditions. An algorithm developed to predict the effect of missense changes on protein structure and function (PolyPhen-2) suggests that this variant is likely to be tolerated. In summary, the available evidence is currently insufficient to determine the role of this variant in disease. Therefore, it has been classified as a Variant of Uncertain Significance.